The following is an entry in ClinVar:

NM_024817.3(THSD4):c.1314G>A (p.Thr438=)

Gene: THSD4 (thrombospondin type 1 domain containing 4; plus strand). Cytogenetic location: 15q23.
Variant type: single nucleotide variant.
Coding change: c.1314G>A on transcript NM_024817.3 (MANE Select); coding-DNA position 1314, G replaced by A.
Protein change: p.Thr438=; no amino-acid change (threonine 438 retained).
Molecular consequence: synonymous variant.
Genome position (GRCh38, 1-based): chr15:71,660,691, G>A. VCF-style: chr15-71660691-G-A. GRCh37 (hg19) VCF-style: chr15-71953030-G-A.
Other names: c.234G>A, p.Thr78= (NM_001286429.2); c.1314G>A, p.Thr438= (NM_001394532.1).
Identifiers: ClinVar variation 3388020 (VCV003388020.15).

ClinVar aggregate classification (germline): Likely benign. Review status: criteria provided, multiple submitters, no conflicts (2 of 4 stars). 2 submissions from 2 submitters: Likely benign (2). Last evaluated 2024-11-12.

gnomAD v4.1: 1,157 of 1,614,134 alleles (0.072%); highest among the groups gnomAD compares: African/African-American, 1.2%; 6 homozygotes.

Submissions (2):

Blueprint Genetics
Classification: Likely benign. Last evaluated: 2024-11-12. Review status: criteria provided, single submitter. Criteria: ACMG Guidelines, 2015. Collection method: clinical testing. Allele origin: germline.

CeGaT Center for Human Genetics Tuebingen
Classification: Likely benign. Last evaluated: 2024-09-01. Review status: criteria provided, single submitter. Criteria: CeGaT Center For Human Genetics Tuebingen Variant Classification Criteria Version 2. Collection method: clinical testing. Allele origin: germline. Affected: yes. Observed: 1 variant allele.
Comment: THSD4: BP4, BP7, BS1